The following is an entry in ClinVar:

ClinVar aggregate classification (germline): Pathogenic (1 of 4 stars; one submission).

Conditions:
Periodontitis, aggressive. Identifiers: MedGen C0031106, MONDO:0980757.
Papillon-Lefèvre syndrome (PALS). Also called: KERATOSIS PALMOPLANTARIS WITH PERIODONTOPATHIA; Papillon-Lefevre Disease. Identifiers: Orphanet 678, MedGen C0030360, MONDO:0009490, OMIM 245000.
Haim-Munk syndrome (HMS). Also called: COCHIN JEWISH DISORDER; KERATOSIS PALMOPLANTARIS WITH PERIODONTOPATHIA AND ONYCHOGRYPOSIS. Identifiers: Orphanet 2342, MedGen C1855627, MONDO:0009491, OMIM 245010.

Submission:

Labcorp Genetics (formerly Invitae), Labcorp
Classification: Pathogenic for Haim-Munk syndrome; Periodontitis, aggressive; Papillon-Lefèvre syndrome. Last evaluated: 2023-08-17. Review status: criteria provided, single submitter. Criteria: Invitae Variant Classification Sherloc (09022015). Collection method: clinical testing. Allele origin: germline.
Comment: This sequence change creates a premature translational stop signal (p.Tyr117*) in the CTSC gene. It is expected to result in an absent or disrupted protein product. Loss-of-function variants in CTSC are known to be pathogenic (PMID: 10662808, 11106356, 11886537). This variant is not present in population databases (gnomAD no frequency). This variant has not been reported in the literature in individuals affected with CTSC-related conditions. For these reasons, this variant has been classified as Pathogenic.

Literature cited by the submitters: PubMed 10662808; PubMed 11106356; PubMed 11886537.

NM_001814.6(CTSC):c.351C>G (p.Tyr117Ter)

Gene: CTSC (cathepsin C; minus strand). Cytogenetic location: 11q14.2.
Variant type: single nucleotide variant.
Coding change: c.351C>G on transcript NM_001814.6 (MANE Select); coding-DNA position 351, C replaced by G.
Protein change: p.Tyr117Ter; replaces tyrosine 117 with a stop codon.
Molecular consequence: nonsense.
Genome position (GRCh38, 1-based): chr11:88,312,522, G>C on the plus strand (C>G on the coding strand, the complement: CTSC is on the minus strand). VCF-style: chr11-88312522-G-C. GRCh37 (hg19) VCF-style: chr11-88045690-G-C.
Other names: short protein forms Y117*.
Identifiers: ClinVar variation 2951064 (VCV002951064.3), dbSNP rs1343944955, ClinGen allele CA382026859.